The following is an entry in ClinVar:

ClinVar aggregate classification (germline): Uncertain significance (1 of 4 stars; one submission).

Submission:

Labcorp Genetics (formerly Invitae), Labcorp
Classification: Uncertain significance. Last evaluated: 2025-07-23. Review status: criteria provided, single submitter. Criteria: Invitae Variant Classification Sherloc (09022015). Collection method: clinical testing. Allele origin: germline.
Comment: This sequence change replaces aspartic acid, which is acidic and polar, with glutamic acid, which is acidic and polar, at codon 543 of the PPP2R5D protein (p.Asp543Glu). This variant is not present in population databases (gnomAD no frequency). This variant has not been reported in the literature in individuals affected with PPP2R5D-related conditions. An algorithm developed to predict the effect of missense changes on protein structure and function (PolyPhen-2) suggests that this variant is likely to be tolerated. In summary, the available evidence is currently insufficient to determine the role of this variant in disease. Therefore, it has been classified as a Variant of Uncertain Significance.

NM_006245.4(PPP2R5D):c.1629C>A (p.Asp543Glu)

Gene: PPP2R5D (protein phosphatase 2 regulatory subunit B'delta; plus strand). Cytogenetic location: 6p21.1.
Variant type: single nucleotide variant.
Coding change: c.1629C>A on transcript NM_006245.4 (MANE Select); coding-DNA position 1629, C replaced by A.
Protein change: p.Asp543Glu; replaces aspartic acid 543 with glutamic acid.
Molecular consequence: missense variant.
Genome position (GRCh38, 1-based): chr6:43,010,955, C>A. VCF-style: chr6-43010955-C-A. GRCh37 (hg19) VCF-style: chr6-42978693-C-A.
Other names: c.1176C>A, p.Asp392Glu (NM_001270476.2); c.1533C>A, p.Asp511Glu (NM_180976.3); c.1311C>A, p.Asp437Glu (NM_180977.3); short protein forms D543E, D392E, D437E, D511E.
Identifiers: ClinVar variation 4723830 (VCV004723830.1).